The following is an entry in ClinVar:

ClinVar aggregate classification (germline): Uncertain significance. Review status: criteria provided, multiple submitters, no conflicts (2 of 4 stars). 2 submissions from 2 submitters: Uncertain significance (2). Last evaluated 2025-06-26.

Conditions:
THOC2-related disorder. Also called: THOC2-related condition.
Inborn genetic diseases. Identifiers: MedGen C0950123, MeSH D030342.

Allele frequency attached by ClinVar (database versions not stated): gnomAD exomes below 0.00001; TOPMed below 0.00001.
gnomAD v4.1: 1 of 1,210,014 alleles (0.000083%); highest among the groups gnomAD compares: Middle Eastern, 0.023%; no homozygotes.

Submissions (2):

PreventionGenetics, part of Exact Sciences
Classification: Uncertain significance for THOC2-related condition. Last evaluated: 2025-06-26. Review status: criteria provided, single submitter. Criteria: ACMG Guidelines, 2015. Collection method: clinical testing. Allele origin: germline.
Comment: The THOC2 c.3965C>T variant is predicted to result in the amino acid substitution p.Pro1322Leu. To our knowledge, this variant has not been reported in the literature or in a large population database (gnomAD), indicating this variant is rare. At this time, the clinical significance of this variant is uncertain due to the absence of conclusive functional and genetic evidence.

Ambry Genetics
Classification: Uncertain significance for Inborn genetic diseases. Last evaluated: 2021-06-15. Review status: criteria provided, single submitter. Criteria: Ambry Variant Classification Scheme 2023. Collection method: clinical testing. Allele origin: germline.

NM_001081550.2(THOC2):c.3965C>T (p.Pro1322Leu)

Gene: THOC2 (THO complex subunit 2; minus strand). Cytogenetic location: Xq25.
Variant type: single nucleotide variant.
Coding change: c.3965C>T on transcript NM_001081550.2 (MANE Select); coding-DNA position 3965, C replaced by T.
Protein change: p.Pro1322Leu; replaces proline 1322 with leucine.
Molecular consequence: missense variant.
Genome position (GRCh38, 1-based): chrX:123,621,408, G>A on the plus strand (C>T on the coding strand, the complement: THOC2 is on the minus strand). VCF-style: chrX-123621408-G-A. GRCh37 (hg19) VCF-style: chrX-122755259-G-A.
Other names: short protein forms P1322L.
Identifiers: ClinVar variation 2232094 (VCV002232094.3), dbSNP rs1458661447, ClinGen allele CA414262842.